The following is an entry in ClinVar:

ClinVar aggregate classification (germline): Uncertain significance. Review status: criteria provided, multiple submitters, no conflicts (2 of 4 stars). 5 submissions from 5 submitters: Uncertain significance (4). 1 of the submissions does not count toward it. Last evaluated 2025-10-02.

Conditions:
Hereditary cancer-predisposing syndrome. Also called: Hereditary neoplastic syndrome; Neoplastic Syndromes, Hereditary; Tumor predisposition; Hereditary Cancer Syndrome. Identifiers: Orphanet 140162, MedGen C0027672, MeSH D009386, MONDO:0015356.
Familial cancer of breast. Also called: Hereditary breast cancer; hereditary breast carcinoma; BREAST CANCER, FAMILIAL. Identifiers: Orphanet 227535, MedGen C0346153, MONDO:0016419, OMIM 114480. Disease mechanism: loss of function.
Ataxia-telangiectasia syndrome (AT). Also called: Ataxia telangiectasia (A-T); LOUIS-BAR SYNDROME; Cerebello-oculocutaneous telangiectasia; Immunodeficiency with ataxia telangiectasia; Ataxia-telangiectasia, complementation group D; AT, COMPLEMENTATION GROUP C. Identifiers: Orphanet 100, MedGen C0004135, MONDO:0008840, OMIM 208900.

Allele frequency attached by ClinVar (database versions not stated): gnomAD exomes below 0.00001 and 0.00001; TOPMed below 0.00001; gnomAD 0.00001; ExAC 0.00002.
gnomAD v4.1: 9 of 1,609,752 alleles (0.00056%); highest among the groups gnomAD compares: East Asian, 0.02%; no homozygotes.

Submissions (5):

Ambry Genetics
Classification: Uncertain significance for Hereditary cancer-predisposing syndrome. Last evaluated: 2025-10-02. Review status: criteria provided, single submitter. Criteria: Ambry Variant Classification Scheme 2023. Collection method: clinical testing. Allele origin: germline.
Comment: The p.A108G variant (also known as c.323C>G), located in coding exon 3 of the ATM gene, results from a C to G substitution at nucleotide position 323. The alanine at codon 108 is replaced by glycine, an amino acid with similar properties. In an assay testing ATM function, this variant showed a functionally normal result (Lee KS et al. Cell, 2025 Sep;188:5081-5099.e27). This amino acid position is highly conserved in available vertebrate species. In addition, the in silico prediction for this alteration is inconclusive. Based on the available evidence, the clinical significance of this variant remains unclear.

Labcorp Genetics (formerly Invitae), Labcorp
Classification: Uncertain significance for Ataxia-telangiectasia syndrome. Last evaluated: 2025-06-24. Review status: criteria provided, single submitter. Criteria: Invitae Variant Classification Sherloc (09022015). Collection method: clinical testing. Allele origin: germline.
Comment: This sequence change replaces alanine, which is neutral and non-polar, with glycine, which is neutral and non-polar, at codon 108 of the ATM protein (p.Ala108Gly). This variant is present in population databases (rs766951228, gnomAD 0.01%). This missense change has been observed in individual(s) with ATM-related conditions (PMID: 30287823). ClinVar contains an entry for this variant (Variation ID: 407641). Invitae Evidence Modeling of protein sequence and biophysical properties (such as structural, functional, and spatial information, amino acid conservation, physicochemical variation, residue mobility, and thermodynamic stability) indicates that this missense variant is not expected to disrupt ATM protein function with a negative predictive value of 95%. In summary, the available evidence is currently insufficient to determine the role of this variant in disease. Therefore, it has been classified as a Variant of Uncertain Significance.

Baylor Genetics
Classification: Uncertain significance for Familial cancer of breast. Last evaluated: 2023-02-09. Review status: criteria provided, single submitter. Criteria: ACMG Guidelines, 2015. Collection method: clinical testing. Allele origin: unknown.

Color Diagnostics, LLC DBA Color Health
Classification: Uncertain significance for Hereditary cancer-predisposing syndrome. Last evaluated: 2022-03-02. Review status: criteria provided, single submitter. Criteria: ACMG Guidelines, 2015. Collection method: clinical testing. Allele origin: germline.
Comment: This missense variant replaces alanine with glycine at codon 108 of the ATM protein. Computational prediction suggests that this variant may not impact protein structure and function (internally defined REVEL score threshold <= 0.5, PMID: 27666373). To our knowledge, functional studies have not been reported for this variant. In a case-control study conducted in Japan, this variant was reported in 2/7051 women affected with breast cancer and in 3/11241 healthy controls (PMID: 30287823). This variant has been identified in 1/250348 chromosomes in the general population by the Genome Aggregation Database (gnomAD). The available evidence is insufficient to determine the role of this variant in disease conclusively. Therefore, this variant is classified as a Variant of Uncertain Significance.

Natera, Inc.
Classification: Uncertain significance for Ataxia-telangiectasia. Last evaluated: 2020-07-05. Review status: no assertion criteria provided. Collection method: clinical testing. Allele origin: germline. Not counted in ClinVar's aggregate classification.

Literature cited by the submitters: PubMed 40580951 (cited by Ambry Genetics); PubMed 30287823 (cited by Labcorp Genetics (formerly Invitae), Labcorp and Color Diagnostics, LLC DBA Color Health).

NM_000051.4(ATM):c.323C>G (p.Ala108Gly)

Gene: ATM (ATM serine/threonine kinase; plus strand). Cytogenetic location: 11q22.3.
Variant type: single nucleotide variant.
Coding change: c.323C>G on transcript NM_000051.4 (MANE Select); coding-DNA position 323, C replaced by G.
Protein change: p.Ala108Gly; replaces alanine 108 with glycine.
Molecular consequence: missense variant.
Genome position (GRCh38, 1-based): chr11:108,229,315, C>G. VCF-style: chr11-108229315-C-G. GRCh37 (hg19) VCF-style: chr11-108100042-C-G.
Other names: c.323C>G, p.Ala108Gly (NM_001351834.2, NM_001351835.2, NM_001351836.2); short protein forms A108G.
Identifiers: ClinVar variation 407641 (VCV000407641.25), dbSNP rs766951228, ClinGen allele CA6264550.
Genomic context (GRCh38, chr11:108,229,315, plus strand): 5'-CCTCCAGGCAGAAAAAGATGCAGGAAATCAGTAGTTTGGTCAAATACTTCATCAAATGTG[C>G]AAACAGAAGTAAGTGATGTTATAAATTATAAATAAATGGCTTAACAGATTACTGTCGCGT-3'
Protein context (NP_000042.3, residues 98-118): SSLVKYFIKC[Ala108Gly]NRRAPRLKCQ